The following is an entry in ClinVar:

ClinVar aggregate classification (germline): Uncertain significance (1 of 4 stars; one submission).

gnomAD v4.1: 1 of 1,607,830 alleles (0.000062%); highest among the groups gnomAD compares: Non-Finnish European, 0.000085%; no homozygotes.

Submission:

GeneDx
Classification: Uncertain significance. Last evaluated: 2025-07-29. Review status: criteria provided, single submitter. Criteria: GeneDx Variant Classification Process June 2021. Collection method: clinical testing. Allele origin: germline. Affected: yes.
Comment: Not observed at significant frequency in large population cohorts (gnomAD); In silico analysis suggests that this missense variant does not alter protein structure/function; Has not been previously published as pathogenic or benign to our knowledge; In silico analysis is inconclusive as to whether the variant alters gene splicing. In the absence of RNA/functional studies, the actual effect of this sequence change is unknown.

NM_033109.5(PNPT1):c.1504A>G (p.Ile502Val)

Gene: PNPT1 (polyribonucleotide nucleotidyltransferase 1; minus strand). Cytogenetic location: 2p16.1.
Variant type: single nucleotide variant.
Coding change: c.1504A>G on transcript NM_033109.5 (MANE Select); coding-DNA position 1504, A replaced by G.
Protein change: p.Ile502Val; replaces isoleucine 502 with valine.
Molecular consequence: missense variant.
Genome position (GRCh38, 1-based): chr2:55,647,445, T>C on the plus strand (A>G on the coding strand, the complement: PNPT1 is on the minus strand). VCF-style: chr2-55647445-T-C. GRCh37 (hg19) VCF-style: chr2-55874580-T-C.
Other names: short protein forms I502V.
Identifiers: ClinVar variation 4689976 (VCV004689976.1).